The following is an entry in ClinVar:

ClinVar aggregate classification (germline): Uncertain significance (1 of 4 stars; one submission).

Submission:

Labcorp Genetics (formerly Invitae), Labcorp
Classification: Uncertain significance. Last evaluated: 2023-08-24. Review status: criteria provided, single submitter. Criteria: Invitae Variant Classification Sherloc (09022015). Collection method: clinical testing. Allele origin: germline.
Comment: This sequence change replaces proline, which is neutral and non-polar, with serine, which is neutral and polar, at codon 1959 of the GPR179 protein (p.Pro1959Ser). This variant is not present in population databases (gnomAD no frequency). This variant has not been reported in the literature in individuals affected with GPR179-related conditions. An algorithm developed to predict the effect of missense changes on protein structure and function (PolyPhen-2) suggests that this variant is likely to be tolerated. In summary, the available evidence is currently insufficient to determine the role of this variant in disease. Therefore, it has been classified as a Variant of Uncertain Significance.

NM_001004334.4(GPR179):c.5875C>T (p.Pro1959Ser)

Gene: GPR179 (G protein-coupled receptor 179; minus strand). Cytogenetic location: 17q12.
Variant type: single nucleotide variant.
Coding change: c.5875C>T on transcript NM_001004334.4 (MANE Select); coding-DNA position 5875, C replaced by T.
Protein change: p.Pro1959Ser; replaces proline 1959 with serine.
Molecular consequence: missense variant.
Genome position (GRCh38, 1-based): chr17:38,327,694, G>A on the plus strand (C>T on the coding strand, the complement: GPR179 is on the minus strand). VCF-style: chr17-38327694-G-A. GRCh37 (hg19) VCF-style: chr17-36483577-G-A.
Other names: short protein forms P1959S.
Identifiers: ClinVar variation 1505312 (VCV001505312.8), dbSNP rs2144255692, ClinGen allele CA398870668.
Genomic context (GRCh38, chr17:38,327,694, plus strand): 5'-GGTCAGGGCGCTGTCTGTCTAGGTGAGAGACGGAATCTGCTGGGGCAGTGGTCTCCCATG[G>A]ACAGACGGATTGTAGCTCATGGCTTGTTTTTTCCCCATCTTCAGTAGTGAATTCTTCTGT-3'
Protein context (NP_001004334.3, residues 1949-1969): KTSHELQSVC[Pro1959Ser]WETTAPADSV